The following is an entry in ClinVar:

ClinVar aggregate classification (germline): Uncertain significance (1 of 4 stars; one submission).

Submission:

Labcorp Genetics (formerly Invitae), Labcorp
Classification: Uncertain significance. Last evaluated: 2024-12-23. Review status: criteria provided, single submitter. Criteria: Invitae Variant Classification Sherloc (09022015). Collection method: clinical testing. Allele origin: germline.
Comment: This sequence change replaces serine, which is neutral and polar, with cysteine, which is neutral and slightly polar, at codon 1012 of the COL7A1 protein (p.Ser1012Cys). This variant is not present in population databases (gnomAD no frequency). This variant has not been reported in the literature in individuals affected with COL7A1-related conditions. Invitae Evidence Modeling of protein sequence and biophysical properties (such as structural, functional, and spatial information, amino acid conservation, physicochemical variation, residue mobility, and thermodynamic stability) indicates that this missense variant is not expected to disrupt COL7A1 protein function with a negative predictive value of 95%. In summary, the available evidence is currently insufficient to determine the role of this variant in disease. Therefore, it has been classified as a Variant of Uncertain Significance.

NM_000094.4(COL7A1):c.3035C>G (p.Ser1012Cys)

Gene: COL7A1 (collagen type VII alpha 1 chain; minus strand). Cytogenetic location: 3p21.31.
Variant type: single nucleotide variant.
Coding change: c.3035C>G on transcript NM_000094.4 (MANE Select); coding-DNA position 3035, C replaced by G.
Protein change: p.Ser1012Cys; replaces serine 1012 with cysteine.
Molecular consequence: missense variant.
Genome position (GRCh38, 1-based): chr3:48,587,294, G>C on the plus strand (C>G on the coding strand, the complement: COL7A1 is on the minus strand). VCF-style: chr3-48587294-G-C. GRCh37 (hg19) VCF-style: chr3-48624727-G-C.
Other names: short protein forms S1012C.
Identifiers: ClinVar variation 3620064 (VCV003620064.2).